The following is an entry in ClinVar:

ClinVar aggregate classification (germline): Likely benign (1 of 4 stars; one submission).

Submission:

CeGaT Center for Human Genetics Tuebingen
Classification: Likely benign. Last evaluated: 2026-03-01. Review status: criteria provided, single submitter. Criteria: CeGaT Center For Human Genetics Tuebingen Variant Classification Criteria Version 2. Collection method: clinical testing. Allele origin: germline. Affected: yes. Observed: 1 variant allele.
Comment: ARVCF: PM2:Supporting, BP4, BP7

NM_001670.3(ARVCF):c.1398C>G (p.Gly466=)

Gene: ARVCF (ARVCF delta catenin family member; minus strand). Cytogenetic location: 22q11.21.
Variant type: single nucleotide variant.
Coding change: c.1398C>G on transcript NM_001670.3 (MANE Select); coding-DNA position 1398, C replaced by G.
Protein change: p.Gly466=; no amino-acid change (glycine 466 retained).
Molecular consequence: synonymous variant.
Genome position (GRCh38, 1-based): chr22:19,979,079, G>C on the plus strand (C>G on the coding strand, the complement: ARVCF is on the minus strand). VCF-style: chr22-19979079-G-C. GRCh37 (hg19) VCF-style: chr22-19966602-G-C.
Other names: c.1209C>G, p.Gly403= (NM_001410839.1, NM_001438683.1, NM_001438694.1); c.1398C>G, p.Gly466= (NM_001438684.1, NM_001438685.1, NM_001438687.1 and 2 more transcripts).
Identifiers: ClinVar variation 4822694 (VCV004822694.4).